The following is an entry in ClinVar:

NM_031229.4(RBCK1):c.59C>T (p.Ala20Val)

Gene: RBCK1 (RANBP2-type and C3HC4-type zinc finger containing 1; plus strand). Cytogenetic location: 20p13.
Variant type: single nucleotide variant.
Coding change: c.59C>T on transcript NM_031229.4 (MANE Select); coding-DNA position 59, C replaced by T.
Protein change: p.Ala20Val; replaces alanine 20 with valine.
Molecular consequence: missense variant. On other transcripts: 5 prime UTR variant (1), non-coding transcript variant (1), intron variant (2).
Genome position (GRCh38, 1-based): chr20:409,917, C>T. VCF-style: chr20-409917-C-T. GRCh37 (hg19) VCF-style: chr20-390561-C-T.
Other names: c.-291C>T (NM_001323956.2); c.59C>T, p.Ala20Val (NM_001323960.2); c.41+1138C>T (NM_006462.6); c.-183+1138C>T (NM_001323958.2); short protein forms A20V.
Identifiers: ClinVar variation 451426 (VCV000451426.6), dbSNP rs780587700, ClinGen allele CA9722870.

ClinVar aggregate classification (germline): Uncertain significance. Review status: criteria provided, multiple submitters, no conflicts (2 of 4 stars). 2 submissions from 2 submitters: Uncertain significance (2). Last evaluated 2021-09-01.

Conditions:
Polyglucosan body myopathy type 1 (PGBM1). Also called: Polyglucosan body myopathy 1 with or without immunodeficiency; POLYGLUCOSAN BODY MYOPATHY WITHOUT IMMUNODEFICIENCY. Identifiers: Orphanet 329173, Orphanet 397937, MedGen C4014605, MONDO:0014389, OMIM 615895.

Allele frequency attached by ClinVar (database versions not stated): TOPMed 0.00003; gnomAD 0.00004; gnomAD exomes 0.00004; ExAC 0.00006.
gnomAD v4.1: 59 of 1,613,784 alleles (0.0037%); highest among the groups gnomAD compares: Non-Finnish European, 0.0043%; no homozygotes.

Submissions (2):

Labcorp Genetics (formerly Invitae), Labcorp
Classification: Uncertain significance for Polyglucosan body myopathy type 1. Last evaluated: 2021-09-01. Review status: criteria provided, single submitter. Criteria: Invitae Variant Classification Sherloc (09022015). Collection method: clinical testing. Allele origin: germline.

GeneDx
Classification: Uncertain significance. Last evaluated: 2019-09-18. Review status: criteria provided, single submitter. Criteria: GeneDx Variant Classification Process June 2021. Collection method: clinical testing. Allele origin: germline. Affected: yes.
Comment: In silico analysis, which includes protein predictors and evolutionary conservation, supports a deleterious effect; Has not been previously published as pathogenic or benign to our knowledge